The following continues an entry in ClinVar:

NM_000059.4(BRCA2):c.7806-14T>C

Gene: BRCA2. ClinVar aggregate classification (germline): Benign. Benign (1). ClinVar aggregate classification (somatic clinical impact): Tier IV - Benign/Likely benign.

Submissions 23 to 34 of 34:

Genome Diagnostics Laboratory, University Medical Center Utrecht
Classification: Benign for Breast-ovarian cancer, familial, susceptibility to, 2. Last evaluated: 2014-10-09. Review status: criteria provided, single submitter. Criteria: ACGS Guidelines, 2013. Collection method: clinical testing. Allele origin: germline. Affected: yes. Study: VKGL Data-share Consensus. Not counted in ClinVar's aggregate classification.

Women's Health and Genetics/Laboratory Corporation of America, LabCorp
Classification: Benign for Hereditary breast ovarian cancer syndrome. Last evaluated: 2013-10-29. Review status: criteria provided, single submitter. Criteria: LabCorp Variant Classification Summary - May 2015. Collection method: clinical testing. Allele origin: germline. Not counted in ClinVar's aggregate classification.

Breakthrough Genomics
Classification: Benign. Review status: criteria provided, single submitter. Criteria: ACMG Guidelines, 2015. Collection method: not provided. Allele origin: germline. Inheritance: Autosomal recessive inheritance. Affected: yes. Not counted in ClinVar's aggregate classification.

GreenArray Genomic Research & Solutions of Accurate Diagnostic Private Limited
Classification: Benign for Breast-ovarian cancer, familial, susceptibility to, 2. Review status: criteria provided, single submitter. Criteria: ACMG Guidelines, 2015. Collection method: clinical testing. Allele origin: germline. Affected: no. Not counted in ClinVar's aggregate classification.

PreventionGenetics, part of Exact Sciences
Classification: Benign. Review status: criteria provided, single submitter. Criteria: ACMG Guidelines, 2015. Collection method: clinical testing. Allele origin: germline. Not counted in ClinVar's aggregate classification.

Counsyl
Classification: Benign for Breast-ovarian cancer, familial 2. Last evaluated: 2014-01-02. Review status: no assertion criteria provided. Collection method: literature only. Allele origin: unknown. Inheritance: Autosomal dominant inheritance. Not counted in ClinVar's aggregate classification.
Comment: High frequency in a 1kG or ESP population: 50.4 %. This submission and the accompanying classification are no longer maintained by the submitter.

Breast Cancer Information Core (BIC) (BRCA2)
No classification provided. Condition: Breast-ovarian cancer, familial 2. Review status: no classification provided. Collection method: clinical testing. Allele origin: germline. Affected: yes. Observed: 336 variant alleles. Not counted in ClinVar's aggregate classification.

Clinical Genetics Laboratory, Department of Pathology, Netherlands Cancer Institute
Classification: Benign. Review status: no assertion criteria provided. Collection method: clinical testing. Allele origin: germline. Affected: yes. Study: VKGL Data-share Consensus. Not counted in ClinVar's aggregate classification.

Department of Pathology and Laboratory Medicine, Sinai Health System
Classification: Benign. Review status: no assertion criteria provided. Collection method: clinical testing. Allele origin: unknown. Affected: yes. Study: The Canadian Open Genetics Repository (COGR). Not counted in ClinVar's aggregate classification.

Diagnostic Laboratory, Department of Genetics, University Medical Center Groningen
Classification: Benign for Breast-ovarian cancer, familial, susceptibility to, 2. Review status: no assertion criteria provided. Collection method: clinical testing. Allele origin: germline. Affected: yes. Study: VKGL Data-share Consensus. Not counted in ClinVar's aggregate classification.

Faculté Pluridciplinaire Nador, Université Mohamed Premier
Classification: Tier IV - Benign/Likely benign for Familial cancer of breast. Review status: no assertion criteria provided. Collection method: research. Allele origin: somatic. Affected: yes.
Comment: The following databases and algorithms are used to annotate and evaluate the impact of the variant in the context of human disease: 1000 genomes, gnomAD, ClinVar, OMIM, dbSNP, NCIB RefSeq Genes, ExAC Gene Constraints, VS-SIFT, VS-PolyPhen2, PhyloP, GERP++, GeneSplicer, MaxEntScan, NNSplice, PWM Splice Predictor.

Joint Genome Diagnostic Labs from Nijmegen and Maastricht, Radboudumc and MUMC+
Classification: Benign. Review status: no assertion criteria provided. Collection method: clinical testing. Allele origin: germline. Affected: yes. Study: VKGL Data-share Consensus. Not counted in ClinVar's aggregate classification.

Literature cited by the submitters: DOI 10.3389/fgene.2022.834265 (cited by National Health Laboratory Service, Universitas Academic Hospital and University of the Free State).